The following is an entry in ClinVar:

ClinVar aggregate classification (germline): Uncertain significance (1 of 4 stars; one submission).

gnomAD v4.1: 7 of 1,614,098 alleles (0.00043%); highest among the groups gnomAD compares: South Asian, 0.0011%; no homozygotes.

Submission:

Labcorp Genetics (formerly Invitae), Labcorp
Classification: Uncertain significance. Last evaluated: 2025-01-13. Review status: criteria provided, single submitter. Criteria: Invitae Variant Classification Sherloc (09022015). Collection method: clinical testing. Allele origin: germline.
Comment: This sequence change replaces serine, which is neutral and polar, with glycine, which is neutral and non-polar, at codon 1204 of the POLE protein (p.Ser1204Gly). This variant is not present in population databases (gnomAD no frequency). This variant has not been reported in the literature in individuals affected with POLE-related conditions. Invitae Evidence Modeling of protein sequence and biophysical properties (such as structural, functional, and spatial information, amino acid conservation, physicochemical variation, residue mobility, and thermodynamic stability) indicates that this missense variant is not expected to disrupt POLE protein function with a negative predictive value of 80%. In summary, the available evidence is currently insufficient to determine the role of this variant in disease. Therefore, it has been classified as a Variant of Uncertain Significance.

NM_006231.4(POLE):c.3610A>G (p.Ser1204Gly)

Gene: POLE (DNA polymerase epsilon, catalytic subunit; minus strand). Cytogenetic location: 12q24.33.
Variant type: single nucleotide variant.
Coding change: c.3610A>G on transcript NM_006231.4 (MANE Select); coding-DNA position 3610, A replaced by G.
Protein change: p.Ser1204Gly; replaces serine 1204 with glycine.
Molecular consequence: missense variant.
Genome position (GRCh38, 1-based): chr12:132,649,862, T>C on the plus strand (A>G on the coding strand, the complement: POLE is on the minus strand). VCF-style: chr12-132649862-T-C. GRCh37 (hg19) VCF-style: chr12-133226448-T-C.
Other names: short protein forms S1204G.
Identifiers: ClinVar variation 3688596 (VCV003688596.2).